The following is an entry in ClinVar:

ClinVar aggregate classification (germline): Likely pathogenic (1 of 4 stars; one submission).

Allele frequency attached by ClinVar (database versions not stated): gnomAD 0.00001.

Submission:

Labcorp Genetics (formerly Invitae), Labcorp
Classification: Likely pathogenic. Last evaluated: 2023-06-26. Review status: criteria provided, single submitter. Criteria: Invitae Variant Classification Sherloc (09022015). Collection method: clinical testing. Allele origin: germline.
Comment: In summary, the currently available evidence indicates that the variant is pathogenic, but additional data are needed to prove that conclusively. Therefore, this variant has been classified as Likely Pathogenic. Variants that disrupt the consensus splice site are a relatively common cause of aberrant splicing (PMID: 17576681, 9536098). Studies have shown that this variant is associated with altered splicing resulting in inclusion of the entire intron 1 sequence (PMID: 25545482). ClinVar contains an entry for this variant (Variation ID: 2137109). This variant is also known as IVS1+5G>A, c.-29+5G>A. This variant has been observed in individuals with clinical features of autosomal recessive bestrophinopathy (PMID: 25545482, 32141364; Invitae). This variant is present in population databases (no rsID available, gnomAD 0.007%). This variant occurs in a non-coding region of the BEST1 gene. It does not change the encoded amino acid sequence of the BEST1 protein. It affects a nucleotide within the consensus splice site.

Literature cited by the submitters: PubMed 17576681; PubMed 9536098; PubMed 25545482; PubMed 32141364.

NM_004183.4(BEST1):c.-37+5G>A

Gene: BEST1 (bestrophin 1; plus strand). Cytogenetic location: 11q12.3.
Variant type: single nucleotide variant.
Coding change: c.-37+5G>A on transcript NM_004183.4 (MANE Select); 5 bases into the intron after 37 bases upstream of the start codon, G replaced by A.
Molecular consequence: intron variant.
Genome position (GRCh38, 1-based): chr11:61,950,432, G>A. VCF-style: chr11-61950432-G-A. GRCh37 (hg19) VCF-style: chr11-61717904-G-A.
Other names: c.-37+5G>A (NM_001363592.2, NM_001440571.1, NM_001440572.1 and 1 more transcripts); c.-29+5G>A (NM_001139443.3, NM_001300787.2, NM_001440574.1 and 3 more transcripts).
Identifiers: ClinVar variation 2137109 (VCV002137109.4), dbSNP rs1299071387, ClinGen allele CA599523909.